The following is an entry in ClinVar:

ClinVar aggregate classification (germline): Conflicting classifications of pathogenicity. Review status: criteria provided, conflicting classifications (1 of 4 stars). 6 submissions from 6 submitters: Uncertain significance (1); Likely benign (5). Last evaluated 2025-10-10.

Conditions:
Cardiovascular phenotype. Identifiers: MedGen CN230736.
Dilated cardiomyopathy 1G (CMD1G). Identifiers: Orphanet 154, MedGen C1858763, MONDO:0011400, OMIM 604145.
Autosomal recessive limb-girdle muscular dystrophy type 2J (LGMDR10). Also called: Limb-girdle muscular dystrophy, type 2J; MUSCULAR DYSTROPHY, LIMB-GIRDLE, AUTOSOMAL RECESSIVE 10. Identifiers: Orphanet 140922, MedGen C1837342, MONDO:0012127, OMIM 608807.

Allele frequency attached by ClinVar (database versions not stated): TOPMed 0.00001; gnomAD 0.00006.
gnomAD v4.1: 45 of 1,613,910 alleles (0.0028%); highest among the groups gnomAD compares: Middle Eastern, 0.016%; no homozygotes.

Submissions (6):

Labcorp Genetics (formerly Invitae), Labcorp
Classification: Likely benign for Dilated cardiomyopathy 1G; Autosomal recessive limb-girdle muscular dystrophy type 2J. Last evaluated: 2025-10-10. Review status: criteria provided, single submitter. Criteria: Invitae Variant Classification Sherloc (09022015). Collection method: clinical testing. Allele origin: germline.

Molecular Diagnostic Laboratory for Inherited Cardiovascular Disease, Montreal Heart Institute
Classification: Likely benign. Last evaluated: 2025-04-09. Review status: criteria provided, single submitter. Criteria: ACMG Guidelines, 2015. Collection method: clinical testing. Allele origin: germline. Affected: no.

Ambry Genetics
Classification: Likely benign for Cardiovascular phenotype. Last evaluated: 2024-04-28. Review status: criteria provided, single submitter. Criteria: Ambry Variant Classification Scheme 2023. Collection method: clinical testing. Allele origin: germline.

CeGaT Center for Human Genetics Tuebingen
Classification: Likely benign. Last evaluated: 2022-04-01. Review status: criteria provided, single submitter. Criteria: CeGaT Center For Human Genetics Tuebingen Variant Classification Criteria Version 2. Collection method: clinical testing. Allele origin: germline. Affected: yes. Observed: 1 variant allele.
Comment: TTN: BP4, BP7

Blueprint Genetics
Classification: Likely benign. Last evaluated: 2020-10-04. Review status: criteria provided, single submitter. Criteria: ACMG Guidelines, 2015. Collection method: clinical testing. Allele origin: germline.

Eurofins Ntd Llc (ga)
Classification: Uncertain significance. Last evaluated: 2016-10-17. Review status: criteria provided, single submitter. Criteria: EGL Classification Definitions 2015. Collection method: clinical testing. Allele origin: germline. Observed: 2 variant alleles, 2 heterozygotes.

NM_001267550.2(TTN):c.9639C>T (p.Ser3213=)

Gene: TTN (titin; minus strand). Cytogenetic location: 2q31.2.
Variant type: single nucleotide variant.
Coding change: c.9639C>T on transcript NM_001267550.2 (MANE Select); coding-DNA position 9639, C replaced by T.
Protein change: p.Ser3213=; no amino-acid change (serine 3213 retained).
Molecular consequence: synonymous variant.
Genome position (GRCh38, 1-based): chr2:178,766,445, G>A on the plus strand (C>T on the coding strand, the complement: TTN is on the minus strand). VCF-style: chr2-178766445-G-A. GRCh37 (hg19) VCF-style: chr2-179631172-G-A.
Other names: c.9639C>T, p.Ser3213= (NM_001256850.1, NM_133378.4, NM_133379.5); c.9501C>T, p.Ser3167= (NM_003319.4, NM_133432.3, NM_133437.4).
Identifiers: ClinVar variation 497068 (VCV000497068.43), dbSNP rs760666570, ClinGen allele CA2004275.